The following is an entry in ClinVar:

ClinVar aggregate classification (germline): Likely benign. Review status: criteria provided, multiple submitters, no conflicts (2 of 4 stars). 2 submissions from 2 submitters: Likely benign (2). Last evaluated 2025-04-03.

Conditions:
Bethlem myopathy 1A. Also called: MYOPATHY, BENIGN CONGENITAL, WITH CONTRACTURES; Bethlem myopathy 1; Bethlem Muscular Dystrophy. Identifiers: Orphanet 610, MedGen CN029274, MONDO:0024530, OMIM 158810.

Allele frequency attached by ClinVar (database versions not stated): gnomAD exomes below 0.00001; TOPMed below 0.00001; ExAC 0.00001.
gnomAD v4.1: 5 of 1,606,560 alleles (0.00031%); highest among the groups gnomAD compares: Non-Finnish European, 0.00034%; no homozygotes.

Submissions (2):

Labcorp Genetics (formerly Invitae), Labcorp
Classification: Likely benign for Bethlem myopathy 1A. Last evaluated: 2025-04-03. Review status: criteria provided, single submitter. Criteria: Invitae Variant Classification Sherloc (09022015). Collection method: clinical testing. Allele origin: germline.

GeneDx
Classification: Likely benign. Last evaluated: 2018-01-16. Review status: criteria provided, single submitter. Criteria: GeneDx Variant Classification (06012015). Collection method: clinical testing. Allele origin: germline. Affected: yes.
Comment: This variant is considered likely benign or benign based on one or more of the following criteria: it is a conservative change, it occurs at a poorly conserved position in the protein, it is predicted to be benign by multiple in silico algorithms, and/or has population frequency not consistent with disease.

NM_001849.4(COL6A2):c.2367C>T (p.Phe789=)

Gene: COL6A2 (collagen type VI alpha 2 chain; plus strand). Cytogenetic location: 21q22.3.
Variant type: single nucleotide variant.
Coding change: c.2367C>T on transcript NM_001849.4 (MANE Select); coding-DNA position 2367, C replaced by T.
Protein change: p.Phe789=; no amino-acid change (phenylalanine 789 retained).
Molecular consequence: synonymous variant.
Genome position (GRCh38, 1-based): chr21:46,126,182, C>T. VCF-style: chr21-46126182-C-T. GRCh37 (hg19) VCF-style: chr21-47546096-C-T.
Other names: c.2367C>T, p.Phe789= (NM_058174.3, NM_058175.3).
Identifiers: ClinVar variation 514738 (VCV000514738.10), dbSNP rs775201159, ClinGen allele CA10072537.